The following is an entry in ClinVar:

NM_004360.5(CDH1):c.1096A>G (p.Thr366Ala)

Gene: CDH1 (cadherin 1; plus strand). Cytogenetic location: 16q22.1.
Variant type: single nucleotide variant.
Coding change: c.1096A>G on transcript NM_004360.5 (MANE Select); coding-DNA position 1096, A replaced by G.
Protein change: p.Thr366Ala; replaces threonine 366 with alanine.
Molecular consequence: missense variant. On other transcripts: 5 prime UTR variant (2).
Genome position (GRCh38, 1-based): chr16:68,812,222, A>G. VCF-style: chr16-68812222-A-G. GRCh37 (hg19) VCF-style: chr16-68846125-A-G.
Other names: c.1096A>G (LRG_301t1); c.1096A>G, p.Thr366Ala (NM_001317184.2); c.-520A>G (NM_001317185.2); c.-724A>G (NM_001317186.2); short protein forms T366A.
Identifiers: ClinVar variation 406653 (VCV000406653.17), dbSNP rs1060501238, ClinGen allele CA16614974.
Genomic context (GRCh38, chr16:68,812,222, plus strand): 5'-CAAGCTGCTGACCTTCAAGGTGAGGGGTTAAGCACAACAGCAACAGCTGTGATCACAGTC[A>G]CTGACACCAACGATAATCCTCCGATCTTCAATCCCACCACGGTAATTCTATAACTCCTTA-3'
Protein context (NP_004351.1, residues 356-376): STTATAVITV[Thr366Ala]DTNDNPPIFN

ClinVar aggregate classification (germline): Conflicting classifications of pathogenicity. Review status: criteria provided, conflicting classifications (1 of 4 stars). 4 submissions from 4 submitters: Uncertain significance (3); Likely benign (1). Last evaluated 2025-09-22.

Conditions:
Hereditary cancer-predisposing syndrome. Also called: Tumor predisposition; Neoplastic Syndromes, Hereditary; Hereditary Cancer Syndrome; Hereditary neoplastic syndrome. Identifiers: Orphanet 140162, MedGen C0027672, MeSH D009386, MONDO:0015356.
Hereditary diffuse gastric adenocarcinoma (HDGC). Also called: DIFFUSE GASTRIC AND LOBULAR BREAST CANCER SYNDROME. Identifiers: Orphanet 26106, MedGen C1708349, MONDO:0007648, OMIM 137215.
Familial cancer of breast. Also called: BREAST CANCER, FAMILIAL; hereditary breast carcinoma; Hereditary breast cancer. Identifiers: Orphanet 227535, MedGen C0346153, MONDO:0016419, OMIM 114480. Disease mechanism: loss of function.

gnomAD v4.1: 1 of 1,614,146 alleles (0.000062%); highest among the groups gnomAD compares: East Asian, 0.0022%; no homozygotes.

Submissions (4):

Labcorp Genetics (formerly Invitae), Labcorp
Classification: Uncertain significance for Hereditary diffuse gastric adenocarcinoma. Last evaluated: 2025-09-22. Review status: criteria provided, single submitter. Criteria: Invitae Variant Classification Sherloc (09022015). Collection method: clinical testing. Allele origin: germline.
Comment: This sequence change replaces threonine, which is neutral and polar, with alanine, which is neutral and non-polar, at codon 366 of the CDH1 protein (p.Thr366Ala). This variant is present in population databases (no rsID available, gnomAD 0.006%). This variant has not been reported in the literature in individuals affected with CDH1-related conditions. ClinVar contains an entry for this variant (Variation ID: 406653). An algorithm developed to predict the effect of missense changes on protein structure and function (PolyPhen-2) suggests that this variant is likely to be tolerated. In summary, the available evidence is currently insufficient to determine the role of this variant in disease. Therefore, it has been classified as a Variant of Uncertain Significance.

Ambry Genetics
Classification: Likely benign for Hereditary cancer-predisposing syndrome. Last evaluated: 2025-06-24. Review status: criteria provided, single submitter. Criteria: Ambry Variant Classification Scheme 2023. Collection method: clinical testing. Allele origin: germline.

Color Diagnostics, LLC DBA Color Health
Classification: Uncertain significance for Hereditary cancer-predisposing syndrome. Last evaluated: 2023-12-05. Review status: criteria provided, single submitter. Criteria: ACMG Guidelines, 2015. Collection method: clinical testing. Allele origin: germline.
Comment: This missense variant replaces threonine with alanine at codon 366 of the CDH1 protein. To our knowledge, functional studies have not been reported for this variant. This variant has not been reported in individuals affected with CDH1-related disorders in the literature. This variant has been identified in 1/251476 chromosomes in the general population by the Genome Aggregation Database (gnomAD). The available evidence is insufficient to determine the role of this variant in disease conclusively. Therefore, this variant is classified as a Variant of Uncertain Significance.

Baylor Genetics
Classification: Uncertain significance for Familial cancer of breast. Last evaluated: 2023-06-29. Review status: criteria provided, single submitter. Criteria: ACMG Guidelines, 2015. Collection method: clinical testing. Allele origin: unknown.